The following is an entry in ClinVar:

NM_000545.8(HNF1A):c.327-42G>A

Gene: HNF1A (HNF1 homeobox A; plus strand). Cytogenetic location: 12q24.31.
Variant type: single nucleotide variant.
Coding change: c.327-42G>A on transcript NM_000545.8 (MANE Select); 42 bases into the intron before coding-DNA position 327, G replaced by A.
Molecular consequence: intron variant.
Genome position (GRCh38, 1-based): chr12:120,988,791, G>A. VCF-style: chr12-120988791-G-A. GRCh37 (hg19) VCF-style: chr12-121426594-G-A.
Other names: c.327-42G>A (NM_001306179.2).
Identifiers: ClinVar variation 673535 (VCV000673535.3), dbSNP rs1169294, ClinGen allele CA6831728.
Genomic context (GRCh38, chr12:120,988,791, plus strand): 5'-CCCACCCTCAGGGTTGACAAGGTTCCAGCACCCAGGACCGCAGCCCCACCTATGGGGAGA[G>A]ACAGCCCTTGCTGAGCAGATCCCGTCCTTGCCCTCTCCCAGGGAGGACCCGTGGCGTGTG-3'

ClinVar aggregate classification (germline): Benign. Review status: criteria provided, multiple submitters, no conflicts (2 of 4 stars). 3 submissions from 3 submitters: Benign (3). Last evaluated 2018-06-14.

Conditions:
Maturity-onset diabetes of the young (MODY). Also called: Maturity onset diabetes mellitus in young. Identifiers: Orphanet 552, MedGen C0342276, MONDO:0018911, HP:0004904.

Allele frequency attached by ClinVar (database versions not stated): ESP Exome Variant Server 0.27257; TOPMed 0.28360; gnomAD 0.28559 and 0.29338; 1000 Genomes Project 30x 0.30653; 1000 Genomes Project 0.31530; gnomAD exomes 0.32648 and 0.34816; ExAC 0.34639.

Submissions (3):

GeneDx
Classification: Benign. Last evaluated: 2018-06-14. Review status: criteria provided, single submitter. Criteria: GeneDx Variant Classification (06012015). Collection method: clinical testing. Allele origin: germline. Affected: yes.
Comment: This variant is considered likely benign or benign based on one or more of the following criteria: it is a conservative change, it occurs at a poorly conserved position in the protein, it is predicted to be benign by multiple in silico algorithms, and/or has population frequency not consistent with disease.

Breakthrough Genomics
Classification: Benign. Review status: criteria provided, single submitter. Criteria: ACMG Guidelines, 2015. Collection method: not provided. Allele origin: germline. Inheritance: Autosomal dominant inheritance. Affected: yes.

Clinical Genomics, Uppaluri K&H Personalized Medicine Clinic
Classification: Benign for Maturity-onset diabetes of the young. Review status: criteria provided, single submitter. Criteria: K & H Uppaluri Personalized Medicine Clinic Variant Classification & Assertion Criteria_Updated V.1. Collection method: research. Allele origin: unknown. Inheritance: Autosomal dominant inheritance.
Comment: Mutations in HNF1A gene can predispose to MODY3. It is associated with both micro and macrovascular complications of diabetes, especially cardiovascular complications. Associated with glucosuria. May respond well to sulfonylureas. However, more evidence is required to confer the association of this particular variant rs1169294 with MODY3.

Literature cited by the submitters: PubMed 31517624 (cited by Clinical Genomics, Uppaluri K&H Personalized Medicine Clinic); PubMed 32395877 (cited by Clinical Genomics, Uppaluri K&H Personalized Medicine Clinic); PubMed 35328643 (cited by Clinical Genomics, Uppaluri K&H Personalized Medicine Clinic); PubMed 35673428 (cited by Clinical Genomics, Uppaluri K&H Personalized Medicine Clinic).